The following is an entry in ClinVar:

NM_201253.3(CRB1):c.2425C>T (p.Gln809Ter)

Gene: CRB1 (crumbs cell polarity complex component 1; plus strand). Cytogenetic location: 1q31.3.
Variant type: single nucleotide variant.
Coding change: c.2425C>T on transcript NM_201253.3 (MANE Select); coding-DNA position 2425, C replaced by T.
Protein change: p.Gln809Ter; replaces glutamine 809 with a stop codon.
Molecular consequence: nonsense. On other transcripts: non-coding transcript variant (2), intron variant (1).
Genome position (GRCh38, 1-based): chr1:197,427,750, C>T. VCF-style: chr1-197427750-C-T. GRCh37 (hg19) VCF-style: chr1-197396880-C-T.
Other names: c.2089C>T, p.Gln697Ter (NM_001193640.2); c.2218C>T, p.Gln740Ter (NM_001257965.2); c.2128+5794C>T (NM_001257966.2); short protein forms Q809*, Q697*, Q740*.
Identifiers: ClinVar variation 647091 (VCV000647091.7), dbSNP rs1571540037, ClinGen allele CA344037279.
Genomic context (GRCh38, chr1:197,427,750, plus strand): 5'-AATGATGGAAATGTCCACTTGATATCTTTGAAAATCAAGCCATATAAAATTGAACTGTAT[C>T]AGTCTTCACAAAACCTAGGATTTATTTCTGCTTCTACGTGGAAAATCGAAAAGGGAGATG-3'

ClinVar aggregate classification (germline): Pathogenic/Likely pathogenic. Review status: criteria provided, multiple submitters, no conflicts (2 of 4 stars). 2 submissions from 2 submitters: Pathogenic (1); Likely pathogenic (1). Last evaluated 2024-06-21.

Conditions:
Retinitis pigmentosa 12 (RP12). Also called: RP WITH OR WITHOUT PRESERVED PARAARTERIOLE RETINAL PIGMENT EPITHELIUM; RETINITIS PIGMENTOSA WITH OR WITHOUT PARAARTERIOLAR PRESERVATION OF RETINAL PIGMENT EPITHELIUM; RP WITH OR WITHOUT PPRPE. Identifiers: Orphanet 791, MedGen C1838647, MONDO:0010818, OMIM 600105.
Leber congenital amaurosis 8 (LCA8). Identifiers: Orphanet 65, MedGen C3151202, MONDO:0013453, OMIM 613835.
Pigmented paravenous retinochoroidal atrophy. Identifiers: Orphanet 251295, MedGen C1868310, MONDO:0008246, OMIM 172870.

Submissions (2):

Fulgent Genetics
Classification: Likely pathogenic for Pigmented paravenous retinochoroidal atrophy; Retinitis pigmentosa 12; Leber congenital amaurosis 8. Last evaluated: 2024-06-21. Review status: criteria provided, single submitter. Criteria: ACMG Guidelines, 2015. Collection method: clinical testing. Allele origin: germline.

Labcorp Genetics (formerly Invitae), Labcorp
Classification: Pathogenic for Leber congenital amaurosis 8; Retinitis pigmentosa 12. Last evaluated: 2020-12-10. Review status: criteria provided, single submitter. Criteria: Invitae Variant Classification Sherloc (09022015). Collection method: clinical testing. Allele origin: germline.
Comment: This variant is not present in population databases (ExAC no frequency). This sequence change creates a premature translational stop signal (p.Gln809*) in the CRB1 gene. It is expected to result in an absent or disrupted protein product. Loss-of-function variants in CRB1 are known to be pathogenic (PMID: 10508521, 22065545, 23379534, 25412400, 26957898, 28041643, 29391521). This variant has not been reported in the literature in individuals with CRB1-related conditions. For these reasons, this variant has been classified as Pathogenic.

Literature cited by the submitters: PubMed 10508521 (cited by Labcorp Genetics (formerly Invitae), Labcorp); PubMed 22065545 (cited by Labcorp Genetics (formerly Invitae), Labcorp); PubMed 23379534 (cited by Labcorp Genetics (formerly Invitae), Labcorp); PubMed 25412400 (cited by Labcorp Genetics (formerly Invitae), Labcorp); PubMed 26957898 (cited by Labcorp Genetics (formerly Invitae), Labcorp); PubMed 28041643 (cited by Labcorp Genetics (formerly Invitae), Labcorp); PubMed 29391521 (cited by Labcorp Genetics (formerly Invitae), Labcorp).